The following is an entry in ClinVar:

ClinVar aggregate classification (germline): Uncertain significance (1 of 4 stars; one submission).

Submission:

Labcorp Genetics (formerly Invitae), Labcorp
Classification: Uncertain significance. Last evaluated: 2024-09-14. Review status: criteria provided, single submitter. Criteria: Invitae Variant Classification Sherloc (09022015). Collection method: clinical testing. Allele origin: germline.
Comment: This sequence change replaces arginine, which is basic and polar, with proline, which is neutral and non-polar, at codon 277 of the MMP14 protein (p.Arg277Pro). This variant is not present in population databases (gnomAD no frequency). This variant has not been reported in the literature in individuals affected with MMP14-related conditions. Invitae Evidence Modeling of protein sequence and biophysical properties (such as structural, functional, and spatial information, amino acid conservation, physicochemical variation, residue mobility, and thermodynamic stability) indicates that this missense variant is expected to disrupt MMP14 protein function with a positive predictive value of 80%. In summary, the available evidence is currently insufficient to determine the role of this variant in disease. Therefore, it has been classified as a Variant of Uncertain Significance.

NM_004995.4(MMP14):c.830G>C (p.Arg277Pro)

Gene: MMP14 (matrix metallopeptidase 14; plus strand). Cytogenetic location: 14q11.2.
Variant type: single nucleotide variant.
Coding change: c.830G>C on transcript NM_004995.4 (MANE Select); coding-DNA position 830, G replaced by C.
Protein change: p.Arg277Pro; replaces arginine 277 with proline.
Molecular consequence: missense variant.
Genome position (GRCh38, 1-based): chr14:22,843,398, G>C. VCF-style: chr14-22843398-G-C. GRCh37 (hg19) VCF-style: chr14-23312607-G-C.
Other names: short protein forms R277P.
Identifiers: ClinVar variation 3717143 (VCV003717143.2).